The following is an entry in ClinVar:

NM_078470.6(COX15):c.750+1G>A

Gene: COX15 (cytochrome c oxidase assembly homolog COX15; minus strand). Cytogenetic location: 10q24.2.
Variant type: single nucleotide variant.
Coding change: c.750+1G>A on transcript NM_078470.6 (MANE Select); the canonical splice donor site of the intron after coding-DNA position 750, G replaced by A.
Molecular consequence: splice donor variant.
Genome position (GRCh38, 1-based): chr10:99,723,955, C>T on the plus strand (G>A on the coding strand, the complement: COX15 is on the minus strand). VCF-style: chr10-99723955-C-T. GRCh37 (hg19) VCF-style: chr10-101483712-C-T.
Other names: c.750+1G>A (NM_001320974.2, NM_001372026.1, NM_001372028.1 and 5 more transcripts); c.213+1G>A (NM_001320976.2).
Identifiers: ClinVar variation 2233034 (VCV002233034.4), dbSNP rs2036859860, ClinGen allele CA378103258.

ClinVar aggregate classification (germline): Likely pathogenic. Review status: criteria provided, multiple submitters, no conflicts (2 of 4 stars). 3 submissions from 3 submitters: Likely pathogenic (3). Last evaluated 2024-04-04.

Conditions:
Cardioencephalomyopathy, fatal infantile, due to cytochrome c oxidase deficiency 2 (MC4DN6). Also called: MITOCHONDRIAL COMPLEX IV DEFICIENCY, NUCLEAR TYPE 6. Identifiers: Orphanet 1561, MedGen C3554534, MONDO:0014051, OMIM 615119.
Inborn genetic diseases. Identifiers: MedGen C0950123, MeSH D030342.

Allele frequency attached by ClinVar (database versions not stated): TOPMed below 0.00001.
gnomAD v4.1: 2 of 1,613,698 alleles (0.00012%); highest among the groups gnomAD compares: African/African-American, 0.0013%; no homozygotes.

Submissions (3):

Genomic Medicine Center of Excellence, King Faisal Specialist Hospital and Research Centre
Classification: Likely pathogenic for Cardioencephalomyopathy, fatal infantile, due to cytochrome c oxidase deficiency 2. Last evaluated: 2024-04-04. Review status: criteria provided, single submitter. Criteria: ACMG Guidelines, 2015. Collection method: clinical testing. Allele origin: germline.

Fulgent Genetics
Classification: Likely pathogenic for Cardioencephalomyopathy, fatal infantile, due to cytochrome c oxidase deficiency 2. Last evaluated: 2024-01-31. Review status: criteria provided, single submitter. Criteria: ACMG Guidelines, 2015. Collection method: clinical testing. Allele origin: germline.

Ambry Genetics
Classification: Likely pathogenic for Inborn genetic diseases. Last evaluated: 2021-07-28. Review status: criteria provided, single submitter. Criteria: Ambry Variant Classification Scheme 2023. Collection method: clinical testing. Allele origin: germline.
Comment: The c.750+1G>A intronic variant results from a G to A substitution one nucleotide after coding exon 5 of the COX15 gene. Alterations that disrupt the canonical splice site are expected to result in aberrant splicing. The resulting transcript is predicted to be in-frame and is not expected to trigger nonsense-mediated mRNA decay; however, direct evidence is unavailable. The exact functional effect of the altered amino acid sequence is unknown; however, a significant portion of the protein is affected (Ambry internal data). This variant was not reported in population-based cohorts in the Genome Aggregation Database (gnomAD). This nucleotide position is highly conserved in available vertebrate species. In silico splice site analysis predicts that this alteration will weaken the native splice donor site. Based on the available evidence, this alteration is classified as likely pathogenic.